The following is an entry in ClinVar:

NM_000081.4(LYST):c.10127A>G (p.Asn3376Ser)

Genes: LYST (lysosomal trafficking regulator; minus strand), LOC126806063 (MED14-independent group 3 enhancer GRCh37_chr1:235871544-235872743; plus strand). Cytogenetic location: 1q42.3.
Variant type: single nucleotide variant.
Coding change: c.10127A>G on transcript NM_000081.4 (MANE Select); coding-DNA position 10127, A replaced by G.
Protein change: p.Asn3376Ser; replaces asparagine 3376 with serine.
Molecular consequence: missense variant.
Genome position (GRCh38, 1-based): chr1:235,709,107, T>C on the plus strand (A>G on the coding strand, the complement: LYST is on the minus strand). VCF-style: chr1-235709107-T-C. GRCh37 (hg19) VCF-style: chr1-235872407-T-C.
Other names: c.10127A>G, p.Asn3376Ser (NM_001301365.1); short protein forms N3376S.
Identifiers: ClinVar variation 65529 (VCV000065529.12), dbSNP rs80338669, ClinGen allele CA344833.

ClinVar aggregate classification (germline): Conflicting classifications of pathogenicity. Review status: criteria provided, conflicting classifications (1 of 4 stars). 4 submissions from 4 submitters: Likely pathogenic (1); Uncertain significance (2). 1 of the submissions does not count toward it. Last evaluated 2025-10-21.

Conditions:
LYST-related disorder. Also called: LYST-related condition.
Chédiak-Higashi syndrome (CHS). Also called: Chediak-Higashi Syndrome. Identifiers: Orphanet 167, MedGen C0007965, MONDO:0008963, OMIM 214500.

Allele frequency attached by ClinVar (database versions not stated): TOPMed below 0.00001; ExAC 0.00001; gnomAD exomes 0.00001; gnomAD 0.00001.
gnomAD v4.1: 15 of 1,613,888 alleles (0.00093%); highest among the groups gnomAD compares: Non-Finnish European, 0.0012%; no homozygotes.

Submissions (4):

Labcorp Genetics (formerly Invitae), Labcorp
Classification: Uncertain significance for Chédiak-Higashi syndrome. Last evaluated: 2025-10-21. Review status: criteria provided, single submitter. Criteria: Invitae Variant Classification Sherloc (09022015). Collection method: clinical testing. Allele origin: germline.
Comment: This sequence change replaces asparagine, which is neutral and polar, with serine, which is neutral and polar, at codon 3376 of the LYST protein (p.Asn3376Ser). This variant is present in population databases (rs80338669, gnomAD 0.0009%). This missense change has been observed in individual(s) with Chediak–Higashi syndrome (PMID: 17554367). ClinVar contains an entry for this variant (Variation ID: 65529). Invitae Evidence Modeling of protein sequence and biophysical properties (such as structural, functional, and spatial information, amino acid conservation, physicochemical variation, residue mobility, and thermodynamic stability) indicates that this missense variant is expected to disrupt LYST protein function with a positive predictive value of 80%. In summary, the available evidence is currently insufficient to determine the role of this variant in disease. Therefore, it has been classified as a Variant of Uncertain Significance.

PreventionGenetics, part of Exact Sciences
Classification: Likely pathogenic for LYST-related condition. Last evaluated: 2023-06-14. Review status: criteria provided, single submitter. Criteria: ACMG Guidelines, 2015. Collection method: clinical testing. Allele origin: germline.
Comment: The LYST c.10127A>G variant is predicted to result in the amino acid substitution p.Asn3376Ser. This variant has been reported along with a LYST truncating variant in an individual with adult-onset Chediak-Higashi syndrome; however phasing of the variants was not determined (Westbroek et al. 2007. PubMed ID: 17554367). Functional assays in this same study found that patient-derived cell cultures had abnormal lysosomes and melanosomes (Westbroek et al. 2007. PubMed ID: 17554367). This variant is reported in 0.00088% of alleles in individuals of European (Non-Finnish) descent in gnomAD. Based on this evidence, we interpret this variant as likely pathogenic.

Department of Pathology and Laboratory Medicine, Sinai Health System
Classification: Uncertain significance for Chédiak-Higashi syndrome. Last evaluated: 2022-01-25. Review status: criteria provided, single submitter. Criteria: ACMG Guidelines, 2015. Collection method: research. Allele origin: germline.

GeneReviews
No classification provided. Condition: Chédiak-Higashi syndrome. Review status: no classification provided. Collection method: literature only. Allele origin: germline. Not counted in ClinVar's aggregate classification.

Literature cited by the submitters: PubMed 17554367 (cited by Labcorp Genetics (formerly Invitae), Labcorp).